The following is an entry in ClinVar:

NM_004519.4(KCNQ3):c.*5704C>T

Gene: KCNQ3 (potassium voltage-gated channel subfamily Q member 3; minus strand). Cytogenetic location: 8q24.22.
Variant type: single nucleotide variant.
Coding change: c.*5704C>T on transcript NM_004519.4 (MANE Select); 5704 bases downstream of the stop codon, C replaced by T.
Molecular consequence: 3 prime UTR variant.
Genome position (GRCh38, 1-based): chr8:132,123,558, G>A on the plus strand (C>T on the coding strand, the complement: KCNQ3 is on the minus strand). VCF-style: chr8-132123558-G-A. GRCh37 (hg19) VCF-style: chr8-133135805-G-A.
Other names: c.*5704C>T (NM_001204824.2).
Identifiers: ClinVar variation 361788 (VCV000361788.6), dbSNP rs145396746, ClinGen allele CA10627037.

ClinVar aggregate classification (germline): Benign (1 of 4 stars; one submission).

Conditions:
Seizures, benign familial neonatal, 2. Also called: CONVULSIONS, BENIGN FAMILIAL NEONATAL, 2; KCNQ3-Related Self-Limited Familial Neonatal Epilepsy (SLFNE); Benign Neonatal Epilepsy 2; KCNQ3-Related Benign Familial Neonatal Epilepsy; Seizures, benign neonatal, 2. Identifiers: Orphanet 1949, MedGen C1852581, MONDO:0007366, OMIM 121201.

Allele frequency attached by ClinVar (database versions not stated): 1000 Genomes Project 0.00319; gnomAD 0.00436 and 0.00474; 1000 Genomes Project 30x 0.00344; TOPMed 0.00548.

Submission:

Illumina Laboratory Services, Illumina
Classification: Benign for Seizures, benign familial neonatal, 2. Last evaluated: 2018-01-12. Review status: criteria provided, single submitter. Criteria: ICSL Variant Classification Criteria 13 December 2019. Collection method: clinical testing. Allele origin: germline.
Comment: This variant was observed in the ICSL laboratory as part of a predisposition screen in an ostensibly healthy population. It had not been previously curated by ICSL or reported in the Human Gene Mutation Database (HGMD: prior to June 1st, 2018), and was therefore a candidate for classification through an automated scoring system. Utilizing variant allele frequency, disease prevalence and penetrance estimates, and inheritance mode, an automated score was calculated to assess if this variant is too frequent to cause the disease. Based on the score and internal cut-off values, a variant classified as benign is not then subjected to further curation. The score for this variant resulted in a classification of benign for this disease.